The following is an entry in ClinVar:

NM_153676.4(USH1C):c.2344T>G (p.Ser782Ala)

Gene: USH1C (USH1 protein network component harmonin; minus strand). Cytogenetic location: 11p15.1.
Variant type: single nucleotide variant.
Coding change: c.2344T>G on transcript NM_153676.4 (MANE Select); coding-DNA position 2344, T replaced by G.
Protein change: p.Ser782Ala; replaces serine 782 with alanine.
Molecular consequence: missense variant. On other transcripts: non-coding transcript variant (1).
Genome position (GRCh38, 1-based): chr11:17,501,087, A>C on the plus strand (T>G on the coding strand, the complement: USH1C is on the minus strand). VCF-style: chr11-17501087-A-C. GRCh37 (hg19) VCF-style: chr11-17522634-A-C.
Other names: c.1387T>G, p.Ser463Ala (NM_001297764.2); c.1444T>G, p.Ser482Ala (NM_005709.4); short protein forms S782A, S463A, S482A.
Identifiers: ClinVar variation 1408305 (VCV001408305.6), dbSNP rs2133783931, ClinGen allele CA379803012.

ClinVar aggregate classification (germline): Uncertain significance (1 of 4 stars; one submission).

Submission:

Labcorp Genetics (formerly Invitae), Labcorp
Classification: Uncertain significance. Last evaluated: 2022-07-19. Review status: criteria provided, single submitter. Criteria: Invitae Variant Classification Sherloc (09022015). Collection method: clinical testing. Allele origin: germline.
Comment: In summary, the available evidence is currently insufficient to determine the role of this variant in disease. Therefore, it has been classified as a Variant of Uncertain Significance. Algorithms developed to predict the effect of missense changes on protein structure and function are either unavailable or do not agree on the potential impact of this missense change (SIFT: "Tolerated"; PolyPhen-2: "Probably Damaging"; Align-GVGD: "Class C0"). ClinVar contains an entry for this variant (Variation ID: 1408305). This variant has not been reported in the literature in individuals affected with USH1C-related conditions. This variant is not present in population databases (gnomAD no frequency). This sequence change replaces serine, which is neutral and polar, with alanine, which is neutral and non-polar, at codon 482 of the USH1C protein (p.Ser482Ala).